The following is an entry in ClinVar:

ClinVar aggregate classification (germline): Pathogenic (1 of 4 stars; one submission).

Conditions:
Trichorhinophalangeal syndrome, type III (TRPS3). Also called: SUGIO-KAJII SYNDROME. Identifiers: Orphanet 77258, MedGen C1860823, OMIM 190351, MONDO:0008597.
Trichorhinophalangeal dysplasia type I (TRPS1). Also called: TRICHORHINOPHALANGEAL SYNDROME, TYPE I; TRPS I. Identifiers: Orphanet 77258, MedGen C0432233, MONDO:0008596, OMIM 190350.

Submission:

Labcorp Genetics (formerly Invitae), Labcorp
Classification: Pathogenic for Trichorhinophalangeal syndrome, type III; Trichorhinophalangeal dysplasia type I. Last evaluated: 2022-09-19. Review status: criteria provided, single submitter. Criteria: Invitae Variant Classification Sherloc (09022015). Collection method: clinical testing. Allele origin: germline.
Comment: This sequence change replaces valine, which is neutral and non-polar, with glycine, which is neutral and non-polar, at codon 929 of the TRPS1 protein (p.Val929Gly). This variant is not present in population databases (gnomAD no frequency). This missense change has been observed in individual(s) with clinical features of trichorhinophalangeal syndrome (PMID: 32844440; Invitae). In at least one individual the variant was observed to be de novo. Advanced modeling of protein sequence and biophysical properties (such as structural, functional, and spatial information, amino acid conservation, physicochemical variation, residue mobility, and thermodynamic stability) performed at Invitae indicates that this missense variant is expected to disrupt TRPS1 protein function. ClinVar contains an entry for this variant (Variation ID: 1345055). For these reasons, this variant has been classified as Pathogenic.

Literature cited by the submitters: PubMed 32844440.

NM_014112.5(TRPS1):c.2786T>G (p.Val929Gly)

Gene: TRPS1 (transcriptional repressor GATA binding 1; minus strand). Cytogenetic location: 8q23.3.
Variant type: single nucleotide variant.
Coding change: c.2786T>G on transcript NM_014112.5 (MANE Select); coding-DNA position 2786, T replaced by G.
Protein change: p.Val929Gly; replaces valine 929 with glycine.
Molecular consequence: missense variant.
Genome position (GRCh38, 1-based): chr8:115,418,367, A>C on the plus strand (T>G on the coding strand, the complement: TRPS1 is on the minus strand). VCF-style: chr8-115418367-A-C. GRCh37 (hg19) VCF-style: chr8-116430595-A-C.
Other names: c.2759T>G, p.Val920Gly (NM_001282902.3); c.2765T>G, p.Val922Gly (NM_001282903.3); c.2747T>G, p.Val916Gly (NM_001330599.2); short protein forms V916G, V920G, V929G, V922G.
Identifiers: ClinVar variation 1345055 (VCV001345055.8), dbSNP rs2129768696, ClinGen allele CA372064246.